The following is an entry in ClinVar:

NM_001353345.2(SETD1B):c.1675C>T (p.Pro559Ser)

Gene: SETD1B (SET domain containing 1B, histone lysine methyltransferase; plus strand). Cytogenetic location: 12q24.31.
Variant type: single nucleotide variant.
Coding change: c.1675C>T on transcript NM_001353345.2 (MANE Select); coding-DNA position 1675, C replaced by T.
Protein change: p.Pro559Ser; replaces proline 559 with serine.
Molecular consequence: missense variant.
Genome position (GRCh38, 1-based): chr12:121,810,620, C>T. VCF-style: chr12-121810620-C-T. GRCh37 (hg19) VCF-style: chr12-122248526-C-T.
Other names: short protein forms P559S.
Identifiers: ClinVar variation 4687295 (VCV004687295.1).
Genomic context (GRCh38, chr12:121,810,620, plus strand): 5'-CAGCTCTCCCCACTGGCCCCCTTTGGCACCAACTCCCAGCCAGGCTTCCGGGGCCCCACG[C>T]CCCCCTCGTCACGCCCCTCCAGCACCGGCCTGGAGGATATCAGCCCAACACCCCTCCCAG-3'
Protein context (NP_001340274.1, residues 549-569): NSQPGFRGPT[Pro559Ser]PSSRPSSTGL

ClinVar aggregate classification (germline): Uncertain significance (1 of 4 stars; one submission).

gnomAD v4.1: 6 of 1,548,056 alleles (0.00039%); highest among the groups gnomAD compares: East Asian, 0.0024%; no homozygotes.

Submission:

Women's Health and Genetics/Laboratory Corporation of America, LabCorp
Classification: Uncertain significance. Last evaluated: 2025-10-14. Review status: criteria provided, single submitter. Criteria: LabCorp Variant Classification Summary - May 2015. Collection method: clinical testing. Allele origin: germline.
Comment: Variant summary: SETD1B c.1675C>T (p.Pro559Ser) results in a non-conservative amino acid change in the encoded protein sequence. Algorithms developed to predict the effect of missense changes on protein structure and function all suggest that this variant is likely to be disruptive. The variant allele was found at a frequency of 6.6e-06 in 150784 control chromosomes. The available data on variant occurrences in the general population are insufficient to allow any conclusion about variant significance. To our knowledge, no occurrence of c.1675C>T in individuals affected with SETD1B-related conditions and no experimental evidence demonstrating its impact on protein function have been reported. No submitters have cited clinical-significance assessments for this variant to ClinVar. Based on the evidence outlined above, the variant was classified as uncertain significance.